The following is an entry in ClinVar:

NM_001848.3(COL6A1):c.903+4C>T

Gene: COL6A1 (collagen type VI alpha 1 chain; plus strand). Cytogenetic location: 21q22.3.
Variant type: single nucleotide variant.
Coding change: c.903+4C>T on transcript NM_001848.3 (MANE Select); 4 bases into the intron after coding-DNA position 903, C replaced by T.
Molecular consequence: intron variant.
Genome position (GRCh38, 1-based): chr21:45,989,656, C>T. VCF-style: chr21-45989656-C-T. GRCh37 (hg19) VCF-style: chr21-47409570-C-T.
Identifiers: ClinVar variation 659996 (VCV000659996.9), dbSNP rs200380846, ClinGen allele CA10069831.

ClinVar aggregate classification (germline): Uncertain significance (1 of 4 stars; one submission).

Conditions:
Bethlem myopathy 1A. Also called: Bethlem Muscular Dystrophy; Bethlem myopathy 1; MYOPATHY, BENIGN CONGENITAL, WITH CONTRACTURES. Identifiers: Orphanet 610, MedGen CN029274, MONDO:0024530, OMIM 158810.

Allele frequency attached by ClinVar (database versions not stated): 1000 Genomes Project 30x 0.00016; 1000 Genomes Project 0.00020; ExAC 0.00003; gnomAD 0.00003 and 0.00004; gnomAD exomes 0.00003; TOPMed 0.00003.
gnomAD v4.1: 42 of 1,613,152 alleles (0.0026%); highest among the groups gnomAD compares: East Asian, 0.02%; no homozygotes.

Submission:

Labcorp Genetics (formerly Invitae), Labcorp
Classification: Uncertain significance for Bethlem myopathy 1A. Last evaluated: 2025-08-08. Review status: criteria provided, single submitter. Criteria: Invitae Variant Classification Sherloc (09022015). Collection method: clinical testing. Allele origin: germline.
Comment: This sequence change falls in intron 10 of the COL6A1 gene. It does not directly change the encoded amino acid sequence of the COL6A1 protein. It affects a nucleotide within the consensus splice site. This variant is present in population databases (rs200380846, gnomAD 0.05%). This variant has not been reported in the literature in individuals affected with COL6A1-related conditions. ClinVar contains an entry for this variant (Variation ID: 659996). Variants that disrupt the consensus splice site are a relatively common cause of aberrant splicing (PMID: 17576681, 9536098). Algorithms developed to predict the effect of sequence changes on RNA splicing suggest that this variant is not likely to affect RNA splicing. In summary, the available evidence is currently insufficient to determine the role of this variant in disease. Therefore, it has been classified as a Variant of Uncertain Significance.

Literature cited by the submitters: PubMed 17576681; PubMed 9536098.